The following is an entry in ClinVar:

NM_005655.4(KLF10):c.1298T>C (p.Met433Thr)

Gene: KLF10 (KLF transcription factor 10; minus strand). Cytogenetic location: 8q22.3.
Variant type: single nucleotide variant.
Coding change: c.1298T>C on transcript NM_005655.4 (MANE Select); coding-DNA position 1298, T replaced by C.
Protein change: p.Met433Thr; replaces methionine 433 with threonine.
Molecular consequence: missense variant. On other transcripts: non-coding transcript variant (2).
Genome position (GRCh38, 1-based): chr8:102,650,277, A>G on the plus strand (T>C on the coding strand, the complement: KLF10 is on the minus strand). VCF-style: chr8-102650277-A-G. GRCh37 (hg19) VCF-style: chr8-103662505-A-G.
Other names: c.1265T>C, p.Met422Thr (NM_001032282.4); short protein forms M433T, M422T.
Identifiers: ClinVar variation 4706923 (VCV004706923.1).

ClinVar aggregate classification (germline): Uncertain significance (1 of 4 stars; one submission).

gnomAD v4.1: 3 of 1,614,178 alleles (0.00019%); highest among the groups gnomAD compares: Non-Finnish European, 0.00025%; no homozygotes.

Submission:

Labcorp Genetics (formerly Invitae), Labcorp
Classification: Uncertain significance. Last evaluated: 2025-05-07. Review status: criteria provided, single submitter. Criteria: Invitae Variant Classification Sherloc (09022015). Collection method: clinical testing. Allele origin: germline.
Comment: This sequence change replaces methionine, which is neutral and non-polar, with threonine, which is neutral and polar, at codon 433 of the KLF10 protein (p.Met433Thr). This variant is not present in population databases (gnomAD no frequency). This variant has not been reported in the literature in individuals affected with KLF10-related conditions. An algorithm developed to predict the effect of missense changes on protein structure and function (PolyPhen-2) suggests that this variant is likely to be tolerated. In summary, the available evidence is currently insufficient to determine the role of this variant in disease. Therefore, it has been classified as a Variant of Uncertain Significance.